The following is an entry in ClinVar:

NM_000455.5(STK11):c.677A>G (p.Asn226Ser)

Gene: STK11 (serine/threonine kinase 11; plus strand). Cytogenetic location: 19p13.3.
Variant type: single nucleotide variant.
Coding change: c.677A>G on transcript NM_000455.5 (MANE Select); coding-DNA position 677, A replaced by G.
Protein change: p.Asn226Ser; replaces asparagine 226 with serine.
Molecular consequence: missense variant.
Genome position (GRCh38, 1-based): chr19:1,220,660, A>G. VCF-style: chr19-1220660-A-G. GRCh37 (hg19) VCF-style: chr19-1220659-A-G.
Other names: c.677A>G, p.Asn226Ser (NM_001407255.1); short protein forms N226S.
Identifiers: ClinVar variation 2113924 (VCV002113924.5), dbSNP rs2145425320, ClinGen allele CA402949745.

ClinVar aggregate classification (germline): Uncertain significance. Review status: criteria provided, multiple submitters, no conflicts (2 of 4 stars). 2 submissions from 2 submitters: Uncertain significance (2). Last evaluated 2024-09-08.

Conditions:
Hereditary cancer-predisposing syndrome. Also called: Tumor predisposition; Hereditary Cancer Syndrome; Neoplastic Syndromes, Hereditary; Hereditary neoplastic syndrome. Identifiers: Orphanet 140162, MedGen C0027672, MeSH D009386, MONDO:0015356.
Peutz-Jeghers syndrome (PJS). Also called: POLYPOSIS, HAMARTOMATOUS INTESTINAL; POLYPS-AND-SPOTS SYNDROME; Peutz-Jeghers polyposis; Periorificial lentiginosis syndrome. Identifiers: Orphanet 2869, MedGen C0031269, MeSH D010580, MONDO:0008280, OMIM 175200.

Submissions (2):

Ambry Genetics
Classification: Uncertain significance for Hereditary cancer-predisposing syndrome. Last evaluated: 2024-09-08. Review status: criteria provided, single submitter. Criteria: Ambry Variant Classification Scheme 2023. Collection method: clinical testing. Allele origin: germline.
Comment: The p.N226S variant (also known as c.677A>G), located in coding exon 5 of the STK11 gene, results from an A to G substitution at nucleotide position 677. The asparagine at codon 226 is replaced by serine, an amino acid with highly similar properties. This amino acid position is conserved. In addition, this alteration is predicted to be tolerated by in silico analysis. Based on the available evidence, the clinical significance of this variant remains unclear.

Labcorp Genetics (formerly Invitae), Labcorp
Classification: Uncertain significance for Peutz-Jeghers syndrome. Last evaluated: 2022-11-23. Review status: criteria provided, single submitter. Criteria: Invitae Variant Classification Sherloc (09022015). Collection method: clinical testing. Allele origin: germline.
Comment: In summary, the available evidence is currently insufficient to determine the role of this variant in disease. Therefore, it has been classified as a Variant of Uncertain Significance. Advanced modeling of protein sequence and biophysical properties (such as structural, functional, and spatial information, amino acid conservation, physicochemical variation, residue mobility, and thermodynamic stability) has been performed at Invitae for this missense variant, however the output from this modeling did not meet the statistical confidence thresholds required to predict the impact of this variant on STK11 protein function. This variant has not been reported in the literature in individuals affected with STK11-related conditions. This variant is not present in population databases (gnomAD no frequency). This sequence change replaces asparagine, which is neutral and polar, with serine, which is neutral and polar, at codon 226 of the STK11 protein (p.Asn226Ser).